The following is an entry in ClinVar:

NM_001134407.3(GRIN2A):c.3395C>T (p.Pro1132Leu)

Gene: GRIN2A (glutamate ionotropic receptor NMDA type subunit 2A; minus strand). Cytogenetic location: 16p13.2.
Variant type: single nucleotide variant.
Coding change: c.3395C>T on transcript NM_001134407.3 (MANE Select); coding-DNA position 3395, C replaced by T.
Protein change: p.Pro1132Leu; replaces proline 1132 with leucine.
Molecular consequence: missense variant.
Genome position (GRCh38, 1-based): chr16:9,764,149, G>A on the plus strand (C>T on the coding strand, the complement: GRIN2A is on the minus strand). VCF-style: chr16-9764149-G-A. GRCh37 (hg19) VCF-style: chr16-9858006-G-A.
Other names: c.3395C>T, p.Pro1132Leu (NM_000833.5, NM_001134408.2); short protein forms P1132L.
Identifiers: ClinVar variation 3637276 (VCV003637276.2).

ClinVar aggregate classification (germline): Uncertain significance (1 of 4 stars; one submission).

Conditions:
Landau-Kleffner syndrome (FESD). Also called: EPILEPSY, FOCAL, WITH SPEECH DISORDER AND WITH OR WITHOUT MENTAL RETARDATION; APHASIA, ACQUIRED, WITH EPILEPSY. Identifiers: Orphanet 1945, Orphanet 725, Orphanet 98818, MedGen C0282512, MONDO:0009509, OMIM 245570.

Submission:

Labcorp Genetics (formerly Invitae), Labcorp
Classification: Uncertain significance for Landau-Kleffner syndrome. Last evaluated: 2024-08-05. Review status: criteria provided, single submitter. Criteria: Invitae Variant Classification Sherloc (09022015). Collection method: clinical testing. Allele origin: germline.
Comment: This sequence change replaces proline, which is neutral and non-polar, with leucine, which is neutral and non-polar, at codon 1132 of the GRIN2A protein (p.Pro1132Leu). This variant is not present in population databases (gnomAD no frequency). This variant has not been reported in the literature in individuals affected with GRIN2A-related conditions. Advanced modeling of protein sequence and biophysical properties (such as structural, functional, and spatial information, amino acid conservation, physicochemical variation, residue mobility, and thermodynamic stability) performed at Invitae indicates that this missense variant is not expected to disrupt GRIN2A protein function with a negative predictive value of 95%. In summary, the available evidence is currently insufficient to determine the role of this variant in disease. Therefore, it has been classified as a Variant of Uncertain Significance.